The following is an entry in ClinVar:

NM_201384.3(PLEC):c.1738-2A>C

Gene: PLEC (plectin; minus strand). Cytogenetic location: 8q24.3.
Variant type: single nucleotide variant.
Coding change: c.1738-2A>C on transcript NM_201384.3 (MANE Select); the canonical splice acceptor site of the intron before coding-DNA position 1738, A replaced by C.
Molecular consequence: splice acceptor variant.
Genome position (GRCh38, 1-based): chr8:143,932,714, T>G on the plus strand (A>C on the coding strand, the complement: PLEC is on the minus strand). VCF-style: chr8-143932714-T-G. GRCh37 (hg19) VCF-style: chr8-145006882-T-G.
Other names: c.1819-2A>C (NM_001410941.1, NM_000445.5); c.1696-2A>C (NM_201378.4); c.1672-2A>C (NM_201379.3); c.2149-2A>C (NM_201380.4); c.1642-2A>C (NM_201381.3); c.1738-2A>C (NM_201382.4); c.1750-2A>C (NM_201383.3).
Identifiers: ClinVar variation 2098729 (VCV002098729.4), dbSNP rs2538833403, ClinGen allele CA372579105.

ClinVar aggregate classification (germline): Likely pathogenic (1 of 4 stars; one submission).

Conditions:
Epidermolysis bullosa simplex 5C, with pyloric atresia (EBS5C). Also called: PLEC-Related Epidermolysis Bullosa with Pyloric Atresia; Epidermolysis bullosa simplex with pyloric atresia; PLEC1-Related Epidermolysis Bullosa with Pyloric Atresia. Identifiers: Orphanet 158684, MedGen C2677349, MONDO:0012807, OMIM 612138.
Epidermolysis bullosa simplex 5B, with muscular dystrophy (EBS5B). Also called: Epidermolysis bullosa simplex with muscular dystrophy; EPIDERMOLYSIS BULLOSA SIMPLEX AND LIMB-GIRDLE MUSCULAR DYSTROPHY. Identifiers: Orphanet 257, MedGen C2931072, MONDO:0009181, OMIM 226670.
Epidermolysis bullosa simplex, Ogna type (EBS5A). Also called: Pidermolysis bullosa simplex 5A, Ogna type; EPIDERMOLYSIS BULLOSA SIMPLEX 5A, OGNA TYPE. Identifiers: Orphanet 79401, MedGen C0432317, MONDO:0007555, OMIM 131950.
Autosomal recessive limb-girdle muscular dystrophy type 2Q (LGMDR17). Also called: MUSCULAR DYSTROPHY, LIMB-GIRDLE, AUTOSOMAL RECESSIVE 17. Identifiers: Orphanet 254361, MedGen C3150989, MONDO:0013390, OMIM 613723.
Epidermolysis bullosa simplex with nail dystrophy (EBS5D). Identifiers: MedGen C4225309, MONDO:0014661, OMIM 616487.

Submission:

Labcorp Genetics (formerly Invitae), Labcorp
Classification: Likely pathogenic for Autosomal recessive limb-girdle muscular dystrophy type 2Q; Epidermolysis bullosa simplex, Ogna type; Epidermolysis bullosa simplex with nail dystrophy; Epidermolysis bullosa simplex 5C, with pyloric atresia; Epidermolysis bullosa simplex 5B, with muscular dystrophy. Last evaluated: 2022-02-18. Review status: criteria provided, single submitter. Criteria: Invitae Variant Classification Sherloc (09022015). Collection method: clinical testing. Allele origin: germline.
Comment: This sequence change affects an acceptor splice site in intron 15 of the PLEC gene. It is expected to disrupt RNA splicing. Variants that disrupt the donor or acceptor splice site typically lead to a loss of protein function (PMID: 16199547), and loss-of-function variants in PLEC are known to be pathogenic (PMID: 20301336, 20447487, 21109228, 23289980, 28824526). This variant is not present in population databases (gnomAD no frequency). This variant has not been reported in the literature in individuals affected with PLEC-related conditions. Algorithms developed to predict the effect of sequence changes on RNA splicing suggest that this variant may disrupt the consensus splice site. In summary, the currently available evidence indicates that the variant is pathogenic, but additional data are needed to prove that conclusively. Therefore, this variant has been classified as Likely Pathogenic.

Literature cited by the submitters: PubMed 16199547; PubMed 20301336; PubMed 20447487; PubMed 21109228; PubMed 23289980; PubMed 28824526.